The following is an entry in ClinVar:

ClinVar aggregate classification (germline): Uncertain significance. Review status: criteria provided, multiple submitters, no conflicts (2 of 4 stars). 2 submissions from 2 submitters: Uncertain significance (2). Last evaluated 2024-04-27.

Conditions:
Cardiovascular phenotype. Identifiers: MedGen CN230736.
Arrhythmogenic cardiomyopathy with wooly hair and keratoderma. Also called: Arrhythmogenic cardiomyopathy with woolly hair and keratoderma; Carvajal syndrome; PALMOPLANTAR KERATODERMA WITH LEFT VENTRICULAR CARDIOMYOPATHY AND WOOLLY HAIR; Dilated cardiomyopathy with woolly hair and keratoderma. Identifiers: Orphanet 65282, MedGen C1854063, MONDO:0011581, OMIM 605676.
Arrhythmogenic right ventricular dysplasia 8 (ARVD8). Also called: Arrhythmogenic Right Ventricular Dysplasia/Cardiomyopathy 8; ARRHYTHMOGENIC RIGHT VENTRICULAR DYSPLASIA, FAMILIAL, 8; ARRHYTHMOGENIC RIGHT VENTRICULAR CARDIOMYOPATHY 8. Identifiers: MedGen C1843896, MONDO:0011831, OMIM 607450.

Allele frequency attached by ClinVar (database versions not stated): TOPMed below 0.00001.

Submissions (2):

Ambry Genetics
Classification: Uncertain significance for Cardiovascular phenotype. Last evaluated: 2024-04-27. Review status: criteria provided, single submitter. Criteria: Ambry Variant Classification Scheme 2023. Collection method: clinical testing. Allele origin: germline.
Comment: The p.I1878T variant (also known as c.5633T>C), located in coding exon 24 of the DSP gene, results from a T to C substitution at nucleotide position 5633. The isoleucine at codon 1878 is replaced by threonine, an amino acid with similar properties. This amino acid position is not well conserved in available vertebrate species. In addition, this alteration is predicted to be tolerated by in silico analysis. Since supporting evidence is limited at this time, the clinical significance of this alteration remains unclear.

Labcorp Genetics (formerly Invitae), Labcorp
Classification: Uncertain significance for Arrhythmogenic cardiomyopathy with wooly hair and keratoderma; Arrhythmogenic right ventricular dysplasia 8. Last evaluated: 2022-07-18. Review status: criteria provided, single submitter. Criteria: Invitae Variant Classification Sherloc (09022015). Collection method: clinical testing. Allele origin: germline.
Comment: In summary, the available evidence is currently insufficient to determine the role of this variant in disease. Therefore, it has been classified as a Variant of Uncertain Significance. Algorithms developed to predict the effect of missense changes on protein structure and function are either unavailable or do not agree on the potential impact of this missense change (SIFT: "Deleterious"; PolyPhen-2: "Benign"; Align-GVGD: "Class C25"). ClinVar contains an entry for this variant (Variation ID: 649523). This variant has not been reported in the literature in individuals affected with DSP-related conditions. This variant is not present in population databases (gnomAD no frequency). This sequence change replaces isoleucine, which is neutral and non-polar, with threonine, which is neutral and polar, at codon 1878 of the DSP protein (p.Ile1878Thr).

NM_004415.4(DSP):c.5633T>C (p.Ile1878Thr)

Gene: DSP (desmoplakin; plus strand). Cytogenetic location: 6p24.3.
Variant type: single nucleotide variant.
Coding change: c.5633T>C on transcript NM_004415.4 (MANE Select); coding-DNA position 5633, T replaced by C.
Protein change: p.Ile1878Thr; replaces isoleucine 1878 with threonine.
Molecular consequence: missense variant.
Genome position (GRCh38, 1-based): chr6:7,582,895, T>C. VCF-style: chr6-7582895-T-C. GRCh37 (hg19) VCF-style: chr6-7583128-T-C.
Other names: c.5633T>C (LRG_423t1); c.3836T>C, p.Ile1279Thr (NM_001008844.3); c.4304T>C, p.Ile1435Thr (NM_001319034.2); short protein forms I1279T, I1435T, I1878T.
Identifiers: ClinVar variation 649523 (VCV000649523.14), dbSNP rs1581820615, ClinGen allele CA362689060.